The following is an entry in ClinVar:

ClinVar aggregate classification (germline): Benign (0 of 4 stars; one submission).

Conditions:
DCHS2-related disorder. Also called: DCHS2-related condition.

Allele frequency attached by ClinVar (database versions not stated): 1000 Genomes Project 30x 0.01843; 1000 Genomes Project 0.01957; ExAC 0.03072; TOPMed 0.03652; gnomAD 0.03820; gnomAD exomes 0.05249.
gnomAD v4.1: 78,609 of 1,546,268 alleles (5.1%); highest among the groups gnomAD compares: Non-Finnish European, 6%; 2,254 homozygotes.

Submission:

PreventionGenetics, part of Exact Sciences
Classification: Benign for DCHS2-related condition. Last evaluated: 2019-05-09. Review status: no assertion criteria provided. Collection method: clinical testing. Allele origin: germline.
Comment: This variant is classified as benign based on ACMG/AMP sequence variant interpretation guidelines (Richards et al. 2015 PMID: 25741868, with internal and published modifications).

NM_001358235.2(DCHS2):c.4019-822G>A

Gene: DCHS2 (dachsous cadherin-related 2; minus strand). Cytogenetic location: 4q31.3.
Variant type: single nucleotide variant.
Coding change: c.4019-822G>A on transcript NM_001358235.2 (MANE Select); 822 bases into the intron before coding-DNA position 4019, G replaced by A.
Molecular consequence: intron variant. On other transcripts: synonymous variant (2).
Genome position (GRCh38, 1-based): chr4:154,323,310, C>T on the plus strand (G>A on the coding strand, the complement: DCHS2 is on the minus strand). VCF-style: chr4-154323310-C-T. GRCh37 (hg19) VCF-style: chr4-155244462-C-T.
Other names: c.4038G>A, p.Lys1346= (NM_001142552.2, NM_001412223.1).
Identifiers: ClinVar variation 3056114 (VCV003056114.2), dbSNP rs74430037, ClinGen allele CA3112989.